The following is an entry in ClinVar:

ClinVar aggregate classification (germline): Uncertain significance. Review status: criteria provided, multiple submitters, no conflicts (2 of 4 stars). 2 submissions from 2 submitters: Uncertain significance (2). Last evaluated 2025-03-10.

Conditions:
Granulomatous disease, chronic, autosomal recessive, cytochrome b-positive, type 2. Also called: CGD, AUTOSOMAL RECESSIVE CYTOCHROME b-POSITIVE, TYPE II; GRANULOMATOUS DISEASE, CHRONIC, DUE TO NCF2 DEFICIENCY; GRANULOMATOUS DISEASE, CHRONIC, AUTOSOMAL RECESSIVE, 2; Chronic granulomatous disease due to deficiency of NCF-2; Chronic Granulomatous Disease, Autosomal Recessive, Cytochrome b-Positive, Type II. Identifiers: Orphanet 379, MedGen C1856245, MONDO:0009310, OMIM 233710.

Allele frequency attached by ClinVar (database versions not stated): gnomAD 0.00001; gnomAD exomes 0.00001 and 0.00003; TOPMed 0.00002; ExAC 0.00003.
gnomAD v4.1: 22 of 1,614,002 alleles (0.0014%); highest among the groups gnomAD compares: South Asian, 0.0077%; no homozygotes.

Submissions (2):

Labcorp Genetics (formerly Invitae), Labcorp
Classification: Uncertain significance for Granulomatous disease, chronic, autosomal recessive, cytochrome b-positive, type 2. Last evaluated: 2025-03-10. Review status: criteria provided, single submitter. Criteria: Invitae Variant Classification Sherloc (09022015). Collection method: clinical testing. Allele origin: germline.
Comment: This sequence change replaces arginine, which is basic and polar, with tryptophan, which is neutral and slightly polar, at codon 376 of the NCF2 protein (p.Arg376Trp). This variant is present in population databases (rs777251055, gnomAD 0.01%). This variant has not been reported in the literature in individuals affected with NCF2-related conditions. ClinVar contains an entry for this variant (Variation ID: 1009320). Invitae Evidence Modeling of protein sequence and biophysical properties (such as structural, functional, and spatial information, amino acid conservation, physicochemical variation, residue mobility, and thermodynamic stability) indicates that this missense variant is not expected to disrupt NCF2 protein function with a negative predictive value of 80%. In summary, the available evidence is currently insufficient to determine the role of this variant in disease. Therefore, it has been classified as a Variant of Uncertain Significance.

GeneDx
Classification: Uncertain significance. Last evaluated: 2024-08-23. Review status: criteria provided, single submitter. Criteria: GeneDx Variant Classification Process June 2021. Collection method: clinical testing. Allele origin: germline. Affected: yes.
Comment: In silico analysis supports that this missense variant has a deleterious effect on protein structure/function; Has not been previously published as pathogenic or benign to our knowledge

NM_000433.4(NCF2):c.1126C>T (p.Arg376Trp)

Gene: NCF2 (neutrophil cytosolic factor 2; minus strand). Cytogenetic location: 1q25.3.
Variant type: single nucleotide variant.
Coding change: c.1126C>T on transcript NM_000433.4 (MANE Select); coding-DNA position 1126, C replaced by T.
Protein change: p.Arg376Trp; replaces arginine 376 with tryptophan.
Molecular consequence: missense variant.
Genome position (GRCh38, 1-based): chr1:183,563,486, G>A on the plus strand (C>T on the coding strand, the complement: NCF2 is on the minus strand). VCF-style: chr1-183563486-G-A. GRCh37 (hg19) VCF-style: chr1-183532621-G-A.
Other names: c.1126C>T, p.Arg376Trp (NM_001127651.3); c.883C>T, p.Arg295Trp (NM_001190789.2); c.991C>T, p.Arg331Trp (NM_001190794.2); c.1126C>T (NM_000433.3); short protein forms R295W, R331W, R376W.
Identifiers: ClinVar variation 1009320 (VCV001009320.9), dbSNP rs777251055, ClinGen allele CA1284675.